The following is an entry in ClinVar:

ClinVar aggregate classification (germline): Uncertain significance. Review status: criteria provided, multiple submitters, no conflicts (2 of 4 stars). 2 submissions from 2 submitters: Uncertain significance (2). Last evaluated 2024-04-01.

Conditions:
Wilms tumor 1 (WT1). Also called: Wilms tumor, somatic. Identifiers: Orphanet 654, MedGen CN033288, MONDO:0008679, OMIM 194070.
Inborn genetic diseases. Identifiers: MedGen C0950123, MeSH D030342.

Allele frequency attached by ClinVar (database versions not stated): gnomAD exomes below 0.00001.
gnomAD v4.1: 1 of 1,208,369 alleles (0.000083%); highest among the groups gnomAD compares: Non-Finnish European, 0.00011%; no homozygotes.

Submissions (2):

Ambry Genetics
Classification: Uncertain significance for Inborn genetic diseases. Last evaluated: 2024-04-01. Review status: criteria provided, single submitter. Criteria: Ambry Variant Classification Scheme 2023. Collection method: clinical testing. Allele origin: germline.

Labcorp Genetics (formerly Invitae), Labcorp
Classification: Uncertain significance for Wilms tumor 1. Last evaluated: 2021-10-18. Review status: criteria provided, single submitter. Criteria: Invitae Variant Classification Sherloc (09022015). Collection method: clinical testing. Allele origin: germline.
Comment: In summary, the available evidence is currently insufficient to determine the role of this variant in disease. Therefore, it has been classified as a Variant of Uncertain Significance. Algorithms developed to predict the effect of missense changes on protein structure and function are either unavailable or do not agree on the potential impact of this missense change (SIFT: "Tolerated"; PolyPhen-2: "Possibly Damaging"; Align-GVGD: "Class C0"). This variant has not been reported in the literature in individuals affected with GPC3-related conditions. This variant is not present in population databases (ExAC no frequency). This sequence change replaces lysine with arginine at codon 340 of the GPC3 protein (p.Lys340Arg). The lysine residue is highly conserved and there is a small physicochemical difference between lysine and arginine.

NM_004484.4(GPC3):c.1019A>G (p.Lys340Arg)

Gene: GPC3 (glypican 3; minus strand). Cytogenetic location: Xq26.2.
Variant type: single nucleotide variant.
Coding change: c.1019A>G on transcript NM_004484.4 (MANE Select); coding-DNA position 1019, A replaced by G.
Protein change: p.Lys340Arg; replaces lysine 340 with arginine.
Molecular consequence: missense variant.
Genome position (GRCh38, 1-based): chrX:133,753,495, T>C on the plus strand (A>G on the coding strand, the complement: GPC3 is on the minus strand). VCF-style: chrX-133753495-T-C. GRCh37 (hg19) VCF-style: chrX-132887522-T-C.
Other names: c.1019A>G, p.Lys340Arg (NM_001164617.2); c.971A>G, p.Lys324Arg (NM_001164618.2); c.857A>G, p.Lys286Arg (NM_001164619.2); short protein forms K324R, K286R, K340R.
Identifiers: ClinVar variation 654600 (VCV000654600.8), dbSNP rs1603240431, ClinGen allele CA414705029.
Genomic context (GRCh38, chrX:133,753,495, plus strand): 5'-ACCCCAATAAGGCCCAAATCCTCTGACAACTGTAGACTGGTACTCACAGTGGTGGTCAGC[T>C]TTCCTGCATTCTTCTGGACATACTGGATAGAATCATGGATTGTTGAAAAGAGACCAAGCA-3'
Protein context (NP_004475.1, residues 330-350): SIQYVQKNAG[Lys340Arg]LTTTIGKLCA